The following is an entry in ClinVar:

NM_000494.4(COL17A1):c.2723dup (p.Gly909fs)

Gene: COL17A1 (collagen type XVII alpha 1 chain; minus strand). Cytogenetic location: 10q25.1.
Variant type: Duplication.
Coding change: c.2723dup on transcript NM_000494.4 (MANE Select); coding-DNA position 2723, one base duplicated (C; older notation c.2723dupC).
Protein change: p.Gly909fs; shifts the reading frame from glycine 909.
Molecular consequence: frameshift variant.
Genome position (GRCh38, 1-based): chr10:104,040,389, G duplicated on the plus strand (C on the coding strand, the reverse complement: COL17A1 is on the minus strand); the first of 6 consecutive G bases (chr10:104,040,389-104,040,394); duplicating any one gives the same sequence. VCF-style (leftmost placement, unchanged base first): chr10-104040388-T-TG. GRCh37 (hg19) VCF-style: chr10-105800146-T-TG.
Other names: short protein forms G909fs.
Identifiers: ClinVar variation 2735484 (VCV002735484.3), dbSNP rs2493298472, ClinGen allele CA645568161.
Genomic context (GRCh38, chr10:104,040,388, plus strand): 5'-GTTCCCTGATACACTGTTCTCACCTTGGTCTCCCTTGGGACCTGGGGGGCCAGGTGGGCC[T>TG]GGGGGGCCGGAGAGGAAGGTTTCTGCAGAGGAAGGAAATAGTTTGAGTATGGACACTGAT-3'

ClinVar aggregate classification (germline): Pathogenic (1 of 4 stars; one submission).

Submission:

Labcorp Genetics (formerly Invitae), Labcorp
Classification: Pathogenic. Last evaluated: 2023-11-30. Review status: criteria provided, single submitter. Criteria: Invitae Variant Classification Sherloc (09022015). Collection method: clinical testing. Allele origin: germline.
Comment: This sequence change creates a premature translational stop signal (p.Gly909Argfs*56) in the COL17A1 gene. It is expected to result in an absent or disrupted protein product. Loss-of-function variants in COL17A1 are known to be pathogenic (PMID: 16473856, 17344927, 20301304, 21357940, 24319098). This variant is not present in population databases (gnomAD no frequency). This premature translational stop signal has been observed in individual(s) with junctional epidermolysis bullosa (PMID: 21357940). For these reasons, this variant has been classified as Pathogenic.

Literature cited by the submitters: PubMed 16473856; PubMed 17344927; PubMed 20301304; PubMed 21357940; PubMed 24319098.